The following is an entry in ClinVar:

NM_005634.3(SOX3):c.708CGC[3] (p.Ala248del)

Gene: SOX3 (SRY-box transcription factor 3; minus strand). Cytogenetic location: Xq27.1.
Variant type: Microsatellite.
Coding change: c.708CGC[3] on transcript NM_005634.3 (MANE Select); three copies in a row of the 3-base unit CGC starting at c.708; the reference has four copies in a row; one copy, 3 bases deleted.
Protein change: p.Ala248del; deletes alanine 248.
Genome position (GRCh38, 1-based): chrX:140,504,342-140,504,344, GCG deleted on the plus strand (CGC on the coding strand, the reverse complement: SOX3 is on the minus strand); deleting any 3 consecutive bases within chrX:140,504,342-140,504,355 gives the same sequence; the position shown is the placement nearest the transcript's 3' end. VCF-style (leftmost placement, unchanged base first): chrX-140504341-AGCG-A. GRCh37 (hg19) VCF-style: chrX-139586506-AGCG-A.
Other names: c.717_719delCGC (NM_005634.3); short protein forms A248del.
Identifiers: ClinVar variation 3042902 (VCV003042902.3), dbSNP rs751040359, ClinGen allele CA10531633.

ClinVar aggregate classification (germline): Uncertain significance. Review status: criteria provided, single submitter (1 of 4 stars). 2 submissions from 2 submitters: Uncertain significance (1). 1 of the submissions does not count toward it. Last evaluated 2025-11-25.

Conditions:
SOX3-related disorder. Also called: SOX3-related condition; SOX3-Related Disorders.

Submissions (2):

Women's Health and Genetics/Laboratory Corporation of America, LabCorp
Classification: Uncertain significance. Last evaluated: 2025-11-25. Review status: criteria provided, single submitter. Criteria: LabCorp Variant Classification Summary - May 2015. Collection method: clinical testing. Allele origin: germline.
Comment: Variant summary: SOX3 c.717_719delCGC (p.Ala248del) results in an in-frame deletion that is predicted to remove one amino acid from the encoded protein. The frequency data for this variant in gnomAD is considered unreliable, as metrics indicate poor data quality at this position. To our knowledge, no occurrence of c.717_719delCGC in individuals affected with SOX3-related conditions and no experimental evidence demonstrating its impact on protein function have been reported. ClinVar contains an entry for this variant (Variation ID: 3042902). Based on the evidence outlined above, the variant was classified as uncertain significance.

PreventionGenetics, part of Exact Sciences
Classification: Likely benign for SOX3-related condition. Last evaluated: 2019-07-01. Review status: no assertion criteria provided. Collection method: clinical testing. Allele origin: germline. Not counted in ClinVar's aggregate classification.
Comment: This variant is classified as likely benign based on ACMG/AMP sequence variant interpretation guidelines (Richards et al. 2015 PMID: 25741868, with internal and published modifications).